The following is an entry in ClinVar:

NM_000090.4(COL3A1):c.200G>C (p.Cys67Ser)

Gene: COL3A1 (collagen type III alpha 1 chain; plus strand). Cytogenetic location: 2q32.2.
Variant type: single nucleotide variant.
Coding change: c.200G>C on transcript NM_000090.4 (MANE Select); coding-DNA position 200, G replaced by C.
Protein change: p.Cys67Ser; replaces cysteine 67 with serine.
Molecular consequence: missense variant.
Genome position (GRCh38, 1-based): chr2:188,984,880, G>C. VCF-style: chr2-188984880-G-C. GRCh37 (hg19) VCF-style: chr2-189849606-G-C.
Other names: short protein forms C67S.
Identifiers: ClinVar variation 426341 (VCV000426341.2), dbSNP rs1085307576, ClinGen allele CA349847185.

ClinVar aggregate classification (germline): Uncertain significance (1 of 4 stars; one submission).

Submission:

GeneDx
Classification: Uncertain significance. Last evaluated: 2017-04-20. Review status: criteria provided, single submitter. Criteria: GeneDx Variant Classification (06012015). Collection method: clinical testing. Allele origin: germline. Affected: yes.
Comment: The C67S variant in the COL3A1 gene has not been reported previously as a pathogenic variant, nor as a benign variant, to our knowledge. The C67S variant is not observed in large population cohorts (Lek et al., 2016; 1000 Genomes Consortium et al., 2015; Exome Variant Server). The C67S variant is a non-conservative amino acid substitution, which is likely to impact secondary protein structure as these residues differ in polarity, charge, size and/or other properties. This substitution occurs at a position that is conserved across species. In silico analysis predicts this variant is probably damaging to the protein structure/function. We interpret C67S as a variant of uncertain significance.